The following is an entry in ClinVar:

NM_001199107.2(TBC1D24):c.1526-20C>T

Gene: TBC1D24 (TBC1 domain family member 24; plus strand). Cytogenetic location: 16p13.3.
Variant type: single nucleotide variant.
Coding change: c.1526-20C>T on transcript NM_001199107.2 (MANE Select); 20 bases into the intron before coding-DNA position 1526, C replaced by T.
Molecular consequence: intron variant.
Genome position (GRCh38, 1-based): chr16:2,500,784, C>T. VCF-style: chr16-2500784-C-T. GRCh37 (hg19) VCF-style: chr16-2550785-C-T.
Other names: c.1508-20C>T (NM_020705.3).
Identifiers: ClinVar variation 139400 (VCV000139400.12), dbSNP rs114367256, ClinGen allele CA293876.

ClinVar aggregate classification (germline): Benign. Review status: criteria provided, multiple submitters, no conflicts (2 of 4 stars). 6 submissions from 6 submitters: Benign (4). 2 of the submissions do not count toward it. Last evaluated 2026-02-03.

Conditions:
Developmental and epileptic encephalopathy, 1 (DEE1). Also called: X-linked infantile spasms; West's syndrome; Tonic spasms with clustering, arrest of psychomotor development and hypsarrhythmia on EEG; X-Linked Infantile Spasm Syndrome; OHTAHARA SYNDROME, X-LINKED; INFANTILE SPASM SYNDROME, X-LINKED 1. Identifiers: MedGen C3463992, MONDO:0010632, OMIM 308350. Disease mechanism: loss of function.
Autosomal dominant nonsyndromic hearing loss 65. Also called: Deafness, autosomal dominant 65; TBC1D24-Related Autosomal Dominant Nonsyndromic Hearing Loss (DFNA). Identifiers: Orphanet 90635, MedGen C3892048, MONDO:0014470, OMIM 616044.

Allele frequency attached by ClinVar (database versions not stated): gnomAD exomes 0.00178 and 0.00446; ExAC 0.00692; 1000 Genomes Project 30x 0.01999; gnomAD 0.01638 and 0.01755; TOPMed 0.01843; 1000 Genomes Project 0.01917; ESP Exome Variant Server 0.01828.
gnomAD v4.1: 5,172 of 1,597,536 alleles (0.32%); highest among the groups gnomAD compares: African/African-American, 5.7%; 138 homozygotes.

Submissions (6):

Labcorp Genetics (formerly Invitae), Labcorp
Classification: Benign for Developmental and epileptic encephalopathy, 1; Autosomal dominant nonsyndromic hearing loss 65. Last evaluated: 2026-02-03. Review status: criteria provided, single submitter. Criteria: Invitae Variant Classification Sherloc (09022015). Collection method: clinical testing. Allele origin: germline.

GeneDx
Classification: Benign. Last evaluated: 2013-12-02. Review status: criteria provided, single submitter. Criteria: GeneDx Variant Classification (06012015). Collection method: clinical testing. Allele origin: germline. Affected: yes.
Comment: This variant is considered likely benign or benign based on one or more of the following criteria: it is a conservative change, it occurs at a poorly conserved position in the protein, it is predicted to be benign by multiple in silico algorithms, and/or has population frequency not consistent with disease.

Breakthrough Genomics
Classification: Benign. Review status: criteria provided, single submitter. Criteria: ACMG Guidelines, 2015. Collection method: not provided. Allele origin: germline. Inheritance: Autosomal recessive inheritance. Affected: yes.

PreventionGenetics, part of Exact Sciences
Classification: Benign. Review status: criteria provided, single submitter. Criteria: ACMG Guidelines, 2015. Collection method: clinical testing. Allele origin: germline.

Clinical Genetics DNA and cytogenetics Diagnostics Lab, Erasmus MC, Erasmus Medical Center
Classification: Benign. Review status: no assertion criteria provided. Collection method: clinical testing. Allele origin: germline. Affected: yes. Study: VKGL Data-share Consensus. Not counted in ClinVar's aggregate classification.

Genome Diagnostics Laboratory, University Medical Center Utrecht
Classification: Likely benign. Review status: no assertion criteria provided. Collection method: clinical testing. Allele origin: germline. Affected: yes. Study: VKGL Data-share Consensus. Not counted in ClinVar's aggregate classification.